The following is an entry in ClinVar:

ClinVar aggregate classification (germline): Uncertain significance. Review status: criteria provided, multiple submitters, no conflicts (2 of 4 stars). 5 submissions from 5 submitters: Uncertain significance (4). 1 of the submissions does not count toward it. Last evaluated 2025-08-26.

Conditions:
Inborn genetic diseases. Identifiers: MedGen C0950123, MeSH D030342.
Retinal dystrophy. Also called: Inherited retinal dystrophy. Identifiers: Orphanet 71862, MedGen C0854723, MeSH D058499, MONDO:0019118, HP:0000556.

Allele frequency attached by ClinVar (database versions not stated): ESP Exome Variant Server 0.00015; TOPMed 0.00017; 1000 Genomes Project 30x 0.00062; 1000 Genomes Project 0.00080.
gnomAD v4.1: 317 of 1,614,090 alleles (0.02%); highest among the groups gnomAD compares: South Asian, 0.12%; 1 homozygote.

Submissions (5):

Ambry Genetics
Classification: Uncertain significance for Inborn genetic diseases. Last evaluated: 2025-08-26. Review status: criteria provided, single submitter. Criteria: Ambry Variant Classification Scheme 2023. Collection method: clinical testing. Allele origin: germline.

Blueprint Genetics
Classification: Uncertain significance. Last evaluated: 2024-11-25. Review status: criteria provided, single submitter. Criteria: ACMG Guidelines, 2015. Collection method: clinical testing. Allele origin: germline.

Women's Health and Genetics/Laboratory Corporation of America, LabCorp
Classification: Uncertain significance. Last evaluated: 2022-12-21. Review status: criteria provided, single submitter. Criteria: LabCorp Variant Classification Summary - May 2015. Collection method: clinical testing. Allele origin: germline.
Comment: Variant summary: AGBL5 c.439C>T (p.Arg147Cys) results in a non-conservative amino acid change in the encoded protein sequence. Four of five in-silico tools predict a damaging effect of the variant on protein function. The variant allele was found at a frequency of 0.00023 in 251366 control chromosomes. This frequency does not allow conclusions about variant significance. To our knowledge, no occurrence of c.439C>T in individuals affected with Retinitis Pigmentosa 75 and no experimental evidence demonstrating its impact on protein function have been reported. One clinical diagnostic laboratory has submitted clinical-significance assessments for this variant to ClinVar after 2014 and classified the variant as uncertain significance. Based on the evidence outlined above, the variant was classified as uncertain significance.

Labcorp Genetics (formerly Invitae), Labcorp
Classification: Uncertain significance. Last evaluated: 2022-07-25. Review status: criteria provided, single submitter. Criteria: Invitae Variant Classification Sherloc (09022015). Collection method: clinical testing. Allele origin: germline.
Comment: This sequence change replaces arginine, which is basic and polar, with cysteine, which is neutral and slightly polar, at codon 147 of the AGBL5 protein (p.Arg147Cys). This variant is present in population databases (rs144135243, gnomAD 0.1%). This variant has not been reported in the literature in individuals affected with AGBL5-related conditions. ClinVar contains an entry for this variant (Variation ID: 837462). Algorithms developed to predict the effect of missense changes on protein structure and function (SIFT, PolyPhen-2, Align-GVGD) all suggest that this variant is likely to be disruptive. In summary, the available evidence is currently insufficient to determine the role of this variant in disease. Therefore, it has been classified as a Variant of Uncertain Significance.

Institute of Human Genetics, Univ. Regensburg, Univ. Regensburg
Classification: Uncertain significance for Retinal dystrophy. Last evaluated: 2020-01-01. Review status: no assertion criteria provided. Criteria: ACMG Guidelines, 2015. Collection method: clinical testing. Allele origin: germline. Affected: yes. Not counted in ClinVar's aggregate classification.

NM_021831.6(AGBL5):c.439C>T (p.Arg147Cys)

Gene: AGBL5 (AGBL carboxypeptidase 5; plus strand). Cytogenetic location: 2p23.3.
Variant type: single nucleotide variant.
Coding change: c.439C>T on transcript NM_021831.6 (MANE Select); coding-DNA position 439, C replaced by T.
Protein change: p.Arg147Cys; replaces arginine 147 with cysteine.
Molecular consequence: missense variant. On other transcripts: non-coding transcript variant (2).
Genome position (GRCh38, 1-based): chr2:27,053,947, C>T. VCF-style: chr2-27053947-C-T. GRCh37 (hg19) VCF-style: chr2-27276815-C-T.
Other names: c.439C>T, p.Arg147Cys (NM_001035507.3); short protein forms R147C.
Identifiers: ClinVar variation 837462 (VCV000837462.9), dbSNP rs144135243, ClinGen allele CA1567636.
Genomic context (GRCh38, chr2:27,053,947, plus strand): 5'-GCTCTTCAGATGACAGAGACGCAGTTTGTGTTATCCTTTGTTCATCGTTTCGTGGAGGGC[C>T]GTGGGGCCACCACCTTCTTCGCCTTCTGCTACCCCTTCTCCTACAGTGACTGCCAGGAAC-3'
Protein context (NP_068603.4, residues 137-157): LSFVHRFVEG[Arg147Cys]GATTFFAFCY